The following is an entry in ClinVar:

ClinVar aggregate classification (germline): Uncertain significance (1 of 4 stars; one submission).

Submission:

Labcorp Genetics (formerly Invitae), Labcorp
Classification: Uncertain significance. Last evaluated: 2022-09-25. Review status: criteria provided, single submitter. Criteria: Invitae Variant Classification Sherloc (09022015). Collection method: clinical testing. Allele origin: germline.
Comment: This variant is not present in population databases (gnomAD no frequency). This variant has not been reported in the literature in individuals affected with ZSWIM6-related conditions. Advanced modeling of protein sequence and biophysical properties (such as structural, functional, and spatial information, amino acid conservation, physicochemical variation, residue mobility, and thermodynamic stability) performed at Invitae indicates that this missense variant is not expected to disrupt ZSWIM6 protein function. In summary, the available evidence is currently insufficient to determine the role of this variant in disease. Therefore, it has been classified as a Variant of Uncertain Significance. This sequence change replaces glutamic acid, which is acidic and polar, with aspartic acid, which is acidic and polar, at codon 836 of the ZSWIM6 protein (p.Glu836Asp).

NM_020928.2(ZSWIM6):c.2508G>C (p.Glu836Asp)

Gene: ZSWIM6 (zinc finger SWIM-type containing 6; plus strand). Cytogenetic location: 5q12.1.
Variant type: single nucleotide variant.
Coding change: c.2508G>C on transcript NM_020928.2 (MANE Select); coding-DNA position 2508, G replaced by C.
Protein change: p.Glu836Asp; replaces glutamic acid 836 with aspartic acid.
Molecular consequence: missense variant.
Genome position (GRCh38, 1-based): chr5:61,538,940, G>C. VCF-style: chr5-61538940-G-C. GRCh37 (hg19) VCF-style: chr5-60834767-G-C.
Other names: short protein forms E836D.
Identifiers: ClinVar variation 1947733 (VCV001947733.5), dbSNP rs2478390638, ClinGen allele CA359945505.